The following is an entry in ClinVar:

ClinVar aggregate classification (germline): Conflicting classifications of pathogenicity. Review status: criteria provided, conflicting classifications (1 of 4 stars). 8 submissions from 8 submitters: Uncertain significance (5); Benign (1); Likely benign (2). Last evaluated 2026-08-26.

Conditions:
DSP-related disorder. Also called: DSP-related condition; DSP-related disorders.
Arrhythmogenic cardiomyopathy with wooly hair and keratoderma. Also called: Carvajal syndrome; Dilated cardiomyopathy with woolly hair and keratoderma; PALMOPLANTAR KERATODERMA WITH LEFT VENTRICULAR CARDIOMYOPATHY AND WOOLLY HAIR; Arrhythmogenic cardiomyopathy with woolly hair and keratoderma. Identifiers: Orphanet 65282, MedGen C1854063, MONDO:0011581, OMIM 605676.
Lethal acantholytic epidermolysis bullosa (EBLA). Identifiers: Orphanet 158687, MedGen C1864826, MONDO:0012323, OMIM 609638.
Keratosis palmoplantaris striata 2. Also called: KERATODERMA, PALMOPLANTAR, STRIATE FORM II; STRIATE PALMOPLANTAR KERATODERMA II; Keratosis palmoplantaris striata II. Identifiers: MedGen C1852127, MONDO:0013034, OMIM 612908.
Arrhythmogenic right ventricular dysplasia 8 (ARVD8). Also called: Arrhythmogenic Right Ventricular Dysplasia/Cardiomyopathy 8; ARRHYTHMOGENIC RIGHT VENTRICULAR CARDIOMYOPATHY 8; ARRHYTHMOGENIC RIGHT VENTRICULAR DYSPLASIA, FAMILIAL, 8. Identifiers: MedGen C1843896, MONDO:0011831, OMIM 607450.
Cardiomyopathy, dilated, with wooly hair, keratoderma, and tooth agenesis. Also called: Erythrokeratodermia-cardiomyopathy syndrome; Cardiomyopathy, dilated, with woolly hair, keratoderma, and tooth agenesis. Identifiers: Orphanet 476096, Orphanet 65282, MedGen C4014393, MONDO:0014355, OMIM 615821.
Cardiovascular phenotype. Identifiers: MedGen CN230736.
Cardiomyopathy (CMYO). Also called: Cardiomyopathies. Identifiers: Orphanet 167848, MedGen C0878544, MONDO:0004994, HP:0001638. Inheritance: Various modes of inheritance.

Allele frequency attached by ClinVar (database versions not stated): gnomAD exomes 0.00003 and 0.00007; gnomAD 0.00005; TOPMed 0.00006; ExAC 0.00007; ESP Exome Variant Server 0.00008.
gnomAD v4.1: 55 of 1,614,020 alleles (0.0034%); highest among the groups gnomAD compares: Middle Eastern, 0.016%; no homozygotes.

Submissions (8):

PreventionGenetics, part of Exact Sciences
Classification: Uncertain significance for DSP-related condition. Last evaluated: 2026-08-26. Review status: criteria provided, single submitter. Criteria: ACMG Guidelines, 2015. Collection method: clinical testing. Allele origin: germline.
Comment: The DSP c.643G>A variant is predicted to result in the amino acid substitution p.Glu215Lys. This variant was reported dilated cardiomyopathy cohort studies; however sufficient information was not provided to establish pathogenicity (Supplemental Table 4, Verdonschot et al. 2020. PubMed ID: 32880476; Table S3, Stroeks et al. 2023. PubMed ID: 37198425). This variant is reported in 0.058% of alleles in individuals of Ashkenazi Jewish descent in gnomAD. At this time, the clinical significance of this variant is uncertain due to the absence of conclusive functional and genetic evidence.

Labcorp Genetics (formerly Invitae), Labcorp
Classification: Benign for Arrhythmogenic cardiomyopathy with wooly hair and keratoderma; Arrhythmogenic right ventricular dysplasia 8. Last evaluated: 2026-02-04. Review status: criteria provided, single submitter. Criteria: Invitae Variant Classification Sherloc (09022015). Collection method: clinical testing. Allele origin: germline.

Ambry Genetics
Classification: Uncertain significance for Cardiovascular phenotype. Last evaluated: 2025-06-16. Review status: criteria provided, single submitter. Criteria: Ambry Variant Classification Scheme 2023. Collection method: clinical testing. Allele origin: germline.
Comment: The p.E215K variant (also known as c.643G>A), located in coding exon 5 of the DSP gene, results from a G to A substitution at nucleotide position 643. The glutamic acid at codon 215 is replaced by lysine, an amino acid with similar properties. This alteration has been reported in a dilated cardiomyopathy cohort and an idiopathic ventricular tachycardia cohort; however, clinical details were limited in both cases and additional alterations in other cardiac-related genes were identified in one case (Verdonschot JAJ et al. Circ Genom Precis Med, 2020 10;13:476-487; Guelly C et al. PeerJ, 2021 Jan;9:e10711). This amino acid position is highly conserved in available vertebrate species. In addition, this alteration is predicted to be deleterious by in silico analysis. Based on the available evidence, the clinical significance of this variant remains unclear.

Color Diagnostics, LLC DBA Color Health
Classification: Likely benign for Cardiomyopathy. Last evaluated: 2025-03-10. Review status: criteria provided, single submitter. Criteria: ACMG Guidelines, 2015. Collection method: clinical testing. Allele origin: germline.

GeneDx
Classification: Uncertain significance. Last evaluated: 2024-08-15. Review status: criteria provided, single submitter. Criteria: GeneDx Variant Classification Process June 2021. Collection method: clinical testing. Allele origin: germline. Affected: yes.
Comment: Identified in a patient with DCM and a patient with idiopathic ventricular tachycardia (iVT) in published literature (PMID: 33552729, 32880476); In silico analysis supports that this missense variant has a deleterious effect on protein structure/function; This variant is associated with the following publications: (PMID: 33552729, 32880476)

All of Us Research Program, National Institutes of Health
Classification: Uncertain significance for Arrhythmogenic cardiomyopathy with wooly hair and keratoderma. Last evaluated: 2024-05-13. Review status: criteria provided, single submitter. Criteria: ACMG Guidelines, 2015. Collection method: clinical testing. Allele origin: germline. Inheritance: Autosomal dominant inheritance. Observed: 27 variant alleles, 27 heterozygotes.
Comment: This missense variant replaces glutamic acid with lysine at codon 215 of the DSP protein. Computational prediction suggests that this variant may have deleterious impact on protein structure and function (internally defined REVEL score threshold >= 0.7, PMID: 27666373). To our knowledge, functional studies have not been reported for this variant. This variant has been reported in an individual affected with dilated cardiomyopathy and in another individual affected with idiopathic ventricular tachycardia (PMID: 32880476, 33552729). This variant has been identified in 19/282798 chromosomes in the general population by the Genome Aggregation Database (gnomAD). The available evidence is insufficient to determine the role of this variant in disease conclusively. Therefore, this variant is classified as a Variant of Uncertain Significance.

This study involves interpretation of variants in research participants for the purpose of population health screening. Participant phenotype was not available at the time of variant classification. Additional details can be found in publication PMID: 35346344, PMCID: PMC8962531

Fulgent Genetics
Classification: Uncertain significance for Arrhythmogenic cardiomyopathy with wooly hair and keratoderma; Arrhythmogenic right ventricular dysplasia 8; Lethal acantholytic epidermolysis bullosa; Keratosis palmoplantaris striata 2; Cardiomyopathy, dilated, with wooly hair, keratoderma, and tooth agenesis. Last evaluated: 2024-03-12. Review status: criteria provided, single submitter. Criteria: ACMG Guidelines, 2015. Collection method: clinical testing. Allele origin: germline.

Laboratory for Molecular Medicine, Mass General Brigham Personalized Medicine
Classification: Likely benign. Last evaluated: 2020-08-06. Review status: criteria provided, single submitter. Criteria: LMM Criteria. Collection method: clinical testing. Allele origin: germline. Observed: 2 variant alleles.
Comment: The p.Glu215Lys variant in DSP is classified as likely benign because it has been identified in 0.05% (6/10366) of Ashkenazi Jewish and 0.02% (7/35438) of Latino chromosomes by gnomAD. ACMG/AMP Criteria applied: BS1.

Literature cited by the submitters: PubMed 29773157 (cited by Ambry Genetics); PubMed 32880476 (cited by Ambry Genetics and All of Us Research Program, National Institutes of Health); PubMed 33552729 (cited by Ambry Genetics and All of Us Research Program, National Institutes of Health).

NM_004415.4(DSP):c.643G>A (p.Glu215Lys)

Gene: DSP (desmoplakin; plus strand). Cytogenetic location: 6p24.3.
Variant type: single nucleotide variant.
Coding change: c.643G>A on transcript NM_004415.4 (MANE Select); coding-DNA position 643, G replaced by A.
Protein change: p.Glu215Lys; replaces glutamic acid 215 with lysine.
Molecular consequence: missense variant.
Genome position (GRCh38, 1-based): chr6:7,562,697, G>A. VCF-style: chr6-7562697-G-A. GRCh37 (hg19) VCF-style: chr6-7562930-G-A.
Other names: c.643G>A, p.Glu215Lys (NM_001008844.3, NM_001319034.2); c.643G>A (NM_004415.3); short protein forms E215K.
Identifiers: ClinVar variation 178024 (VCV000178024.29), dbSNP rs148095061, ClinGen allele CA006931.
Genomic context (GRCh38, chr6:7,562,697, plus strand): 5'-GTCTTTGTGTCGCAGGCGGAGATGGACATGGTGGCCTGGGGTGTGGACCTGGCCTCAGTG[G>A]AGCAGCACATTAACAGCCACCGGGGCATCCACAACTCCATCGGCGACTATCGCTGGCAGC-3'
Protein context (NP_004406.2, residues 205-225): VAWGVDLASV[Glu215Lys]QHINSHRGIH